The following is an entry in ClinVar:

NM_000083.3(CLCN1):c.193C>G (p.His65Asp)

Gene: CLCN1 (chloride voltage-gated channel 1; plus strand). Cytogenetic location: 7q34.
Variant type: single nucleotide variant.
Coding change: c.193C>G on transcript NM_000083.3 (MANE Select); coding-DNA position 193, C replaced by G.
Protein change: p.His65Asp; replaces histidine 65 with aspartic acid.
Molecular consequence: missense variant. On other transcripts: non-coding transcript variant (1).
Genome position (GRCh38, 1-based): chr7:143,319,767, C>G. VCF-style: chr7-143319767-C-G. GRCh37 (hg19) VCF-style: chr7-143016860-C-G.
Other names: short protein forms H65D.
Identifiers: ClinVar variation 2949049 (VCV002949049.3), dbSNP rs2487025762, ClinGen allele CA369678962.

ClinVar aggregate classification (germline): Uncertain significance (1 of 4 stars; one submission).

Conditions:
Congenital myotonia, autosomal dominant form (THD). Also called: THOMSEN DISEASE; Myotonia congenita autosomal dominant. Identifiers: Orphanet 614, MedGen C2936781, MONDO:0008055, OMIM 160800.
Congenital myotonia, autosomal recessive form. Also called: BECKER DISEASE; Becker Generalized Myotonia; myotonia congenita, autosomal recessive. Identifiers: Orphanet 614, MedGen C0751360, MONDO:0009715, OMIM 255700.

Submission:

Labcorp Genetics (formerly Invitae), Labcorp
Classification: Uncertain significance for Congenital myotonia, autosomal recessive form; Congenital myotonia, autosomal dominant form. Last evaluated: 2023-06-27. Review status: criteria provided, single submitter. Criteria: Invitae Variant Classification Sherloc (09022015). Collection method: clinical testing. Allele origin: germline.
Comment: In summary, the available evidence is currently insufficient to determine the role of this variant in disease. Therefore, it has been classified as a Variant of Uncertain Significance. Advanced modeling of protein sequence and biophysical properties (such as structural, functional, and spatial information, amino acid conservation, physicochemical variation, residue mobility, and thermodynamic stability) has been performed at Invitae for this missense variant, however the output from this modeling did not meet the statistical confidence thresholds required to predict the impact of this variant on CLCN1 protein function. This variant has not been reported in the literature in individuals affected with CLCN1-related conditions. This variant is not present in population databases (gnomAD no frequency). This sequence change replaces histidine, which is basic and polar, with aspartic acid, which is acidic and polar, at codon 65 of the CLCN1 protein (p.His65Asp).